The following is an entry in ClinVar:

NM_004055.5(CAPN5):c.1102del (p.Asp368fs)

Gene: CAPN5 (calpain 5; plus strand). Cytogenetic location: 11q13.5.
Variant type: Deletion.
Coding change: c.1102del on transcript NM_004055.5 (MANE Select); coding-DNA position 1102, one base deleted (G; older notation c.1102delG).
Protein change: p.Asp368fs; shifts the reading frame from aspartic acid 368.
Molecular consequence: frameshift variant.
Genome position (GRCh38, 1-based): chr11:77,118,287, G deleted; the last of 2 consecutive G bases (chr11:77,118,286-77,118,287); deleting either gives the same sequence. VCF-style (leftmost placement, unchanged base first): chr11-77118285-AG-A. GRCh37 (hg19) VCF-style: chr11-76829331-AG-A.
Other names: short protein forms D368fs.
Identifiers: ClinVar variation 1498949 (VCV001498949.6), dbSNP rs1467548403, ClinGen allele CA600341028.

ClinVar aggregate classification (germline): Uncertain significance (1 of 4 stars; one submission).

Submission:

Labcorp Genetics (formerly Invitae), Labcorp
Classification: Uncertain significance. Last evaluated: 2022-07-12. Review status: criteria provided, single submitter. Criteria: Invitae Variant Classification Sherloc (09022015). Collection method: clinical testing. Allele origin: germline.
Comment: This variant is present in population databases (no rsID available, gnomAD 0.009%). This variant has not been reported in the literature in individuals affected with CAPN5-related conditions. ClinVar contains an entry for this variant (Variation ID: 1498949). In summary, the available evidence is currently insufficient to determine the role of this variant in disease. Therefore, it has been classified as a Variant of Uncertain Significance. This sequence change creates a premature translational stop signal (p.Asp368Thrfs*35) in the CAPN5 gene. It is expected to result in an absent or disrupted protein product. However, the current clinical and genetic evidence is not sufficient to establish whether loss-of-function variants in CAPN5 cause disease.